The following is an entry in ClinVar:

NM_033656.4(BRWD1):c.831+9G>C

Gene: BRWD1 (bromodomain and WD repeat domain containing 1; minus strand). Cytogenetic location: 21q22.2.
Variant type: single nucleotide variant.
Coding change: c.831+9G>C on transcript NM_033656.4 (MANE Select); 9 bases into the intron after coding-DNA position 831, G replaced by C.
Molecular consequence: intron variant.
Genome position (GRCh38, 1-based): chr21:39,293,802, C>G on the plus strand (G>C on the coding strand, the complement: BRWD1 is on the minus strand). VCF-style: chr21-39293802-C-G. GRCh37 (hg19) VCF-style: chr21-40665728-C-G.
Other names: c.831+9G>C (NM_018963.5).
Identifiers: ClinVar variation 3038171 (VCV003038171.2), dbSNP rs116676022, ClinGen allele CA10027679.

ClinVar aggregate classification (germline): Benign (0 of 4 stars; one submission).

Conditions:
BRWD1-related disorder. Also called: BRWD1-related condition.

Allele frequency attached by ClinVar (database versions not stated): gnomAD exomes 0.00156; ExAC 0.00535; gnomAD 0.01525; ESP Exome Variant Server 0.01653; TOPMed 0.01702; 1000 Genomes Project 30x 0.01733; 1000 Genomes Project 0.01797.
gnomAD v4.1: 4,726 of 1,611,334 alleles (0.29%); highest among the groups gnomAD compares: African/African-American, 5.3%; 113 homozygotes.

Submission:

PreventionGenetics, part of Exact Sciences
Classification: Benign for BRWD1-related condition. Last evaluated: 2019-03-08. Review status: no assertion criteria provided. Collection method: clinical testing. Allele origin: germline.
Comment: This variant is classified as benign based on ACMG/AMP sequence variant interpretation guidelines (Richards et al. 2015 PMID: 25741868, with internal and published modifications).